The following is an entry in ClinVar:

ClinVar aggregate classification (germline): Uncertain significance (1 of 4 stars; one submission).

Conditions:
Neurofibromatosis, type 1 (NF1). Also called: Neurofibromatosis, type I; NEUROFIBROMATOSIS, TYPE I, SOMATIC; Peripheral type neurofibromatosis; VON RECKLINGHAUSEN DISEASE. Identifiers: Orphanet 636, MedGen C0027831, MONDO:0018975, OMIM 162200. Disease mechanism: loss of function.

Submission:

Labcorp Genetics (formerly Invitae), Labcorp
Classification: Uncertain significance for Neurofibromatosis, type 1. Last evaluated: 2023-06-17. Review status: criteria provided, single submitter. Criteria: Invitae Variant Classification Sherloc (09022015). Collection method: clinical testing. Allele origin: germline.
Comment: In summary, the available evidence is currently insufficient to determine the role of this variant in disease. Therefore, it has been classified as a Variant of Uncertain Significance. Advanced modeling of protein sequence and biophysical properties (such as structural, functional, and spatial information, amino acid conservation, physicochemical variation, residue mobility, and thermodynamic stability) performed at Invitae indicates that this missense variant is not expected to disrupt NF1 protein function. This variant has not been reported in the literature in individuals affected with NF1-related conditions. This variant is not present in population databases (gnomAD no frequency). This sequence change replaces arginine, which is basic and polar, with serine, which is neutral and polar, at codon 815 of the NF1 protein (p.Arg815Ser).

NM_001042492.3(NF1):c.2445G>C (p.Arg815Ser)

Gene: NF1 (neurofibromin 1; plus strand). Cytogenetic location: 17q11.2.
Variant type: single nucleotide variant.
Coding change: c.2445G>C on transcript NM_001042492.3 (MANE Select); coding-DNA position 2445, G replaced by C.
Protein change: p.Arg815Ser; replaces arginine 815 with serine.
Molecular consequence: missense variant.
Genome position (GRCh38, 1-based): chr17:31,229,060, G>C. VCF-style: chr17-31229060-G-C. GRCh37 (hg19) VCF-style: chr17-29556078-G-C.
Other names: c.2445G>C, p.Arg815Ser (NM_000267.4); short protein forms R815S.
Identifiers: ClinVar variation 2718344 (VCV002718344.3), dbSNP rs1555614186, ClinGen allele CA398983908.